The following is an entry in ClinVar:

NM_016507.4(CDK12):c.3461A>G (p.Asn1154Ser)

Gene: CDK12 (cyclin dependent kinase 12; plus strand). Cytogenetic location: 17q12.
Variant type: single nucleotide variant.
Coding change: c.3461A>G on transcript NM_016507.4 (MANE Select); coding-DNA position 3461, A replaced by G.
Protein change: p.Asn1154Ser; replaces asparagine 1154 with serine.
Molecular consequence: missense variant.
Genome position (GRCh38, 1-based): chr17:39,526,017, A>G. VCF-style: chr17-39526017-A-G. GRCh37 (hg19) VCF-style: chr17-37682270-A-G.
Other names: c.3461A>G, p.Asn1154Ser (NM_015083.4); short protein forms N1154S.
Identifiers: ClinVar variation 3999476 (VCV003999476.1).

ClinVar aggregate classification (germline): Uncertain significance (1 of 4 stars; one submission).

gnomAD v4.1: 1 of 1,614,040 alleles (0.000062%); highest among the groups gnomAD compares: African/African-American, 0.0013%; no homozygotes.

Submission:

Ambry Genetics
Classification: Uncertain significance. Last evaluated: 2025-05-19. Review status: criteria provided, single submitter. Criteria: Ambry Variant Classification Scheme 2023. Collection method: clinical testing. Allele origin: germline.
Comment: The p.N1154S variant (also known as c.3461A>G), located in coding exon 13 of the CDK12 gene, results from an A to G substitution at nucleotide position 3461. The asparagine at codon 1154 is replaced by serine, an amino acid with highly similar properties. This amino acid position is conserved. In addition, this alteration is predicted to be tolerated by in silico analysis. Based on the available evidence, the clinical significance of this variant remains unclear.